The following is an entry in ClinVar:

ClinVar aggregate classification (germline): Pathogenic. Review status: criteria provided, multiple submitters, no conflicts (2 of 4 stars). 3 submissions from 3 submitters: Pathogenic (3). Last evaluated 2024-01-25.

Conditions:
Hereditary cancer-predisposing syndrome. Also called: Neoplastic Syndromes, Hereditary; Hereditary neoplastic syndrome; Tumor predisposition; Hereditary Cancer Syndrome. Identifiers: Orphanet 140162, MedGen C0027672, MeSH D009386, MONDO:0015356.
Familial cancer of breast. Also called: BREAST CANCER, FAMILIAL; Hereditary breast cancer; hereditary breast carcinoma. Identifiers: Orphanet 227535, MedGen C0346153, MONDO:0016419, OMIM 114480. Disease mechanism: loss of function.
Ataxia-telangiectasia syndrome (AT). Also called: ATAXIA-TELANGIECTASIA, COMPLEMENTATION GROUP A; ATAXIA-TELANGIECTASIA, FRESNO VARIANT; Ataxia-telangiectasia, complementation group D; LOUIS-BAR SYNDROME; AT, COMPLEMENTATION GROUP C; Ataxia-telangiectasia. Identifiers: Orphanet 100, MedGen C0004135, MONDO:0008840, OMIM 208900.

Submissions (3):

Myriad Genetics, Inc.
Classification: Pathogenic for Familial cancer of breast. Last evaluated: 2024-01-25. Review status: criteria provided, single submitter. Criteria: Myriad Autosomal Dominant, Autosomal Recessive and X-Linked Classification Criteria (2023). Collection method: clinical testing. Allele origin: unknown.
Comment: This variant is considered pathogenic. This variant creates a termination codon and is predicted to result in premature protein truncation.

Labcorp Genetics (formerly Invitae), Labcorp
Classification: Pathogenic for Ataxia-telangiectasia syndrome. Last evaluated: 2023-12-19. Review status: criteria provided, single submitter. Criteria: Invitae Variant Classification Sherloc (09022015). Collection method: clinical testing. Allele origin: germline.
Comment: This sequence change creates a premature translational stop signal (p.Glu1892*) in the ATM gene. It is expected to result in an absent or disrupted protein product. Loss-of-function variants in ATM are known to be pathogenic (PMID: 23807571, 25614872). This variant is not present in population databases (gnomAD no frequency). This premature translational stop signal has been observed in individual(s) with pancreatic cancer (PMID: 29922827). Algorithms developed to predict the effect of sequence changes on RNA splicing suggest that this variant may disrupt the consensus splice site. For these reasons, this variant has been classified as Pathogenic.

Color Diagnostics, LLC DBA Color Health
Classification: Pathogenic for Hereditary cancer-predisposing syndrome. Last evaluated: 2022-09-12. Review status: criteria provided, single submitter. Criteria: ACMG Guidelines, 2015. Collection method: clinical testing. Allele origin: germline.
Comment: This variant changes 1 nucleotide in exon 37 of the ATM gene, creating a premature translation stop signal. This variant is expected to result in an absent or non-functional protein product. This variant has been reported in an individual affected with pancreatic cancer (PMID 29922827). This variant has not been identified in the general population by the Genome Aggregation Database (gnomAD). Loss of ATM function is a known mechanism of disease. Based on the available evidence, this variant is classified as Pathogenic.

Literature cited by the submitters: PubMed 23807571 (cited by Labcorp Genetics (formerly Invitae), Labcorp); PubMed 25614872 (cited by Labcorp Genetics (formerly Invitae), Labcorp); PubMed 29922827 (cited by Labcorp Genetics (formerly Invitae), Labcorp and Color Diagnostics, LLC DBA Color Health).

NM_000051.4(ATM):c.5674G>T (p.Glu1892Ter)

Gene: ATM (ATM serine/threonine kinase; plus strand). Cytogenetic location: 11q22.3.
Variant type: single nucleotide variant.
Coding change: c.5674G>T on transcript NM_000051.4 (MANE Select); coding-DNA position 5674, G replaced by T.
Protein change: p.Glu1892Ter; replaces glutamic acid 1892 with a stop codon.
Molecular consequence: nonsense.
Genome position (GRCh38, 1-based): chr11:108,304,852, G>T. VCF-style: chr11-108304852-G-T. GRCh37 (hg19) VCF-style: chr11-108175579-G-T.
Other names: c.5674G>T, p.Glu1892Ter (NM_001351834.2); short protein forms E1892*.
Identifiers: ClinVar variation 2704335 (VCV002704335.5), dbSNP rs730881375, ClinGen allele CA382546614.
Genomic context (GRCh38, chr11:108,304,852, plus strand): 5'-AGCTGTCTTCGACACTTCTCGCAAACGAGCCGATCCACAACCCCTGCAAACTTGGATTCA[G>T]GTATTCTATTAAATTTTTAACATTAATACTGTAAACTCAGTTCTAGAGAAAGATGGATTT-3'